The following is an entry in ClinVar:

NM_006767.4(LZTR1):c.1022C>A (p.Ala341Asp)

Gene: LZTR1 (leucine zipper like post translational regulator 1; plus strand). Cytogenetic location: 22q11.21.
Variant type: single nucleotide variant.
Coding change: c.1022C>A on transcript NM_006767.4 (MANE Select); coding-DNA position 1022, C replaced by A.
Protein change: p.Ala341Asp; replaces alanine 341 with aspartic acid.
Molecular consequence: missense variant.
Genome position (GRCh38, 1-based): chr22:20,992,242, C>A. VCF-style: chr22-20992242-C-A. GRCh37 (hg19) VCF-style: chr22-21346531-C-A.
Other names: short protein forms A341D.
Identifiers: ClinVar variation 965675 (VCV000965675.10), dbSNP rs1924631866, ClinGen allele CA410781798.
Genomic context (GRCh38, chr22:20,992,242, plus strand): 5'-TGGTCTCATGCCCATGTGTCTCCCCTCTTCAGGTTGGTGGGGCTGAAGTGCCCGAGCGAG[C>A]CTGTGCTTCCGAGGAGGTGCCCACCCTGACCTATGAGGAGCGGGTTGGCTTCAAGAAGTC-3'
Protein context (NP_006758.2, residues 331-351): EVGGAEVPER[Ala341Asp]CASEEVPTLT

ClinVar aggregate classification (germline): Uncertain significance. Review status: criteria provided, multiple submitters, no conflicts (2 of 4 stars). 2 submissions from 2 submitters: Uncertain significance (2). Last evaluated 2025-03-04.

Conditions:
Hereditary cancer-predisposing syndrome. Also called: Hereditary neoplastic syndrome; Neoplastic Syndromes, Hereditary; Hereditary Cancer Syndrome; Tumor predisposition. Identifiers: Orphanet 140162, MedGen C0027672, MeSH D009386, MONDO:0015356.
Cardiovascular phenotype. Identifiers: MedGen CN230736.

Submissions (2):

Ambry Genetics
Classification: Uncertain significance for Cardiovascular phenotype; Hereditary cancer-predisposing syndrome. Last evaluated: 2025-03-04. Review status: criteria provided, single submitter. Criteria: Ambry Variant Classification Scheme 2023. Collection method: clinical testing. Allele origin: germline.
Comment: The p.A341D variant (also known as c.1022C>A), located in coding exon 10 of the LZTR1 gene, results from a C to A substitution at nucleotide position 1022. The alanine at codon 341 is replaced by aspartic acid, an amino acid with dissimilar properties. This amino acid position is conserved. In addition, the in silico prediction for this alteration is inconclusive. Based on the available evidence, the clinical significance of this variant remains unclear.

Labcorp Genetics (formerly Invitae), Labcorp
Classification: Uncertain significance. Last evaluated: 2019-10-19. Review status: criteria provided, single submitter. Criteria: Invitae Variant Classification Sherloc (09022015). Collection method: clinical testing. Allele origin: germline.
Comment: This variant is not present in population databases (ExAC no frequency). This variant has not been reported in the literature in individuals with LZTR1-related conditions. Algorithms developed to predict the effect of missense changes on protein structure and function are either unavailable or do not agree on the potential impact of this missense change (SIFT: "Deleterious"; PolyPhen-2: "Benign"; Align-GVGD: "Class C0"). In summary, the available evidence is currently insufficient to determine the role of this variant in disease. Therefore, it has been classified as a Variant of Uncertain Significance. This sequence change replaces alanine with aspartic acid at codon 341 of the LZTR1 protein (p.Ala341Asp). The alanine residue is moderately conserved and there is a moderate physicochemical difference between alanine and aspartic acid.